The following is an entry in ClinVar:

ClinVar aggregate classification (germline): Uncertain significance (1 of 4 stars; one submission).

Allele frequency attached by ClinVar (database versions not stated): gnomAD exomes 0.00001; TOPMed 0.00001.
gnomAD v4.1: 19 of 1,536,344 alleles (0.0012%); highest among the groups gnomAD compares: Non-Finnish European, 0.0017%; no homozygotes.

Submission:

Labcorp Genetics (formerly Invitae), Labcorp
Classification: Uncertain significance. Last evaluated: 2022-07-13. Review status: criteria provided, single submitter. Criteria: Invitae Variant Classification Sherloc (09022015). Collection method: clinical testing. Allele origin: germline.
Comment: This sequence change replaces valine, which is neutral and non-polar, with leucine, which is neutral and non-polar, at codon 534 of the FAM20C protein (p.Val534Leu). This variant is not present in population databases (gnomAD no frequency). This variant has not been reported in the literature in individuals affected with FAM20C-related conditions. Algorithms developed to predict the effect of missense changes on protein structure and function (SIFT, PolyPhen-2, Align-GVGD) all suggest that this variant is likely to be tolerated. In summary, the available evidence is currently insufficient to determine the role of this variant in disease. Therefore, it has been classified as a Variant of Uncertain Significance.

NM_020223.4(FAM20C):c.1600G>T (p.Val534Leu)

Gene: FAM20C (FAM20C golgi associated secretory pathway kinase; plus strand). Cytogenetic location: 7p22.3.
Variant type: single nucleotide variant.
Coding change: c.1600G>T on transcript NM_020223.4 (MANE Select); coding-DNA position 1600, G replaced by T.
Protein change: p.Val534Leu; replaces valine 534 with leucine.
Molecular consequence: missense variant.
Genome position (GRCh38, 1-based): chr7:259,825, G>T. VCF-style: chr7-259825-G-T. GRCh37 (hg19) VCF-style: chr7-299791-G-T.
Other names: short protein forms V534L.
Identifiers: ClinVar variation 2186906 (VCV002186906.1), dbSNP rs902444471, ClinGen allele CA152288795.
Genomic context (GRCh38, chr7:259,825, plus strand): 5'-CTGGCCAAGGAGGAGTACAAGCTGAGCCTGCTGATGGCCGAGTCTCTGCGGGGGGACCAG[G>T]TGGCACCCGTGCTGTACCAGCCGCACCTGGAGGCCCTGGACCGGCGGCTCCGCGTCGTGC-3'
Protein context (NP_064608.2, residues 524-544): LMAESLRGDQ[Val534Leu]APVLYQPHLE